The following is an entry in ClinVar:

ClinVar aggregate classification (germline): Uncertain significance (0 of 4 stars; one submission).

Conditions:
Breast-ovarian cancer, familial, susceptibility to, 1 (BROVCA1). Also called: BRCA1 Hereditary Breast and Ovarian Cancer; OVARIAN CANCER, SUSCEPTIBILITY TO. Identifiers: Orphanet 145, MedGen C2676676, MONDO:0011450, OMIM 604370. Disease mechanism: loss of function.

Submission:

KCCC/NGS Laboratory, Kuwait Cancer Control Center
Classification: Uncertain significance for Breast-ovarian cancer, familial, susceptibility to, 1. Last evaluated: 2023-05-05. Review status: no assertion criteria provided. Collection method: clinical testing. Allele origin: germline. Affected: yes.
Comment: A variant of uncertain significance was detected in the BRCA1 gene (c.4417A>T). The p.Ile1473Leu variant located in coding exon 13 of the BRCA1 gene, results from a A to T substitution at nucleotide position 4417. The Isoleucine at codon 1473 is replaced by Leucine, This amino acid position is not conserved (PhyloP= 0.02 ). This variant not present in our local database nor was it identified in the Genome Aggregation Database The computational analyses (PolyPhen-2, SIFT, MutationTaster) do not suggest a high pathogenic impacts on the protein; however, this information is not predictive enough to rule out pathogenicity. ClinVar has an entry (371813) for another variant c.4417A>G at same postion with differnt aminoacid change p.Ile1473Val reported as uncertain significance . Since supporting evidence is limited at this time, this variant is classified as of uncertain significance.

Literature cited by the submitters: PubMed 20104584.

NM_007294.4(BRCA1):c.4358-2726A>T

Gene: BRCA1 (BRCA1 DNA repair associated; minus strand). Cytogenetic location: 17q21.31.
Variant type: single nucleotide variant.
Coding change: c.4358-2726A>T on transcript NM_007294.4 (MANE Select); 2726 bases into the intron before coding-DNA position 4358, A replaced by T.
Molecular consequence: intron variant. On other transcripts: missense variant (17).
Genome position (GRCh38, 1-based): chr17:43,079,340, T>A on the plus strand (A>T on the coding strand, the complement: BRCA1 is on the minus strand). VCF-style: chr17-43079340-T-A. GRCh37 (hg19) VCF-style: chr17-41231357-T-A.
Other names: c.908-2729A>T (NM_001408460.1, NM_001408458.1, NM_001408461.1 and 1 more transcripts); c.908-2726A>T (NM_001408454.1, NM_001408456.1, NM_001408452.1 and 3 more transcripts); c.4214-2729A>T (NM_001407852.1, NM_001407843.1, NM_001407841.1 and 8 more transcripts); c.4214-2726A>T (NM_001407750.1, NM_001407751.1, NM_001407740.1 and 11 more transcripts); c.4217-2729A>T (NM_001407732.1, NM_001407733.1, NM_001407739.1 and 7 more transcripts); c.4217-2726A>T (NM_001407698.1, NM_001407942.1, NM_001407694.1 and 13 more transcripts); c.968-2726A>T (NM_001408413.1, NM_001408416.1); c.4274-2726A>T (NM_001407660.1, NM_001407659.1); and 98 more; short protein forms I1402L, I1431L, I1432L, I1472L, I1473L, I259L, I323L, I344L.
Identifiers: ClinVar variation 2503102 (VCV002503102.2), dbSNP rs775348455, ClinGen allele CA10592851.